The following is an entry in ClinVar:

NM_000478.6(ALPL):c.1375G>T (p.Val459Leu)

Gene: ALPL (alkaline phosphatase, biomineralization associated; plus strand). Cytogenetic location: 1p36.12.
Variant type: single nucleotide variant.
Coding change: c.1375G>T on transcript NM_000478.6 (MANE Select); coding-DNA position 1375, G replaced by T.
Protein change: p.Val459Leu; replaces valine 459 with leucine.
Molecular consequence: missense variant.
Genome position (GRCh38, 1-based): chr1:21,577,448, G>T. VCF-style: chr1-21577448-G-T. GRCh37 (hg19) VCF-style: chr1-21903941-G-T.
Other names: c.1210G>T, p.Val404Leu (NM_001127501.4); c.1144G>T, p.Val382Leu (NM_001177520.3); c.1375G>T, p.Val459Leu (NM_001369803.2, NM_001369804.2, NM_001369805.2); short protein forms V459L, V404L, V382L.
Identifiers: ClinVar variation 558598 (VCV000558598.18), dbSNP rs1054159992, ClinGen allele CA338882067.

ClinVar aggregate classification (germline): Pathogenic/Likely pathogenic. Review status: criteria provided, multiple submitters, no conflicts (2 of 4 stars). 8 submissions from 8 submitters: Pathogenic (4); Likely pathogenic (3). 1 of the submissions does not count toward it. Last evaluated 2026-04-27.

Conditions:
Hypophosphatasia. Also called: Phosphoethanol-aminuria. Identifiers: Orphanet 436, MedGen C0020630, MeSH D007014, MONDO:0018570.
Infantile hypophosphatasia. Identifiers: Orphanet 247651, Orphanet 436, MedGen C0268412, MONDO:1010169, OMIM 241500, MONDO:0009427.
ALPL-related disorder. Also called: ALPL-related condition; ALPL-related disorders.
Hypophosphataemia or rickets.

gnomAD v4.1: 21 of 1,611,894 alleles (0.0013%); highest among the groups gnomAD compares: Non-Finnish European, 0.0018%; no homozygotes.

Submissions (8):

Cambridge Genomics Laboratory, East Genomic Laboratory Hub, NHS Genomic Medicine Service
Classification: Pathogenic for Hypophosphataemia or rickets. Last evaluated: 2026-04-27. Review status: criteria provided, single submitter. Criteria: ACGS Best Practice Guidelines for Variant Classification in Rare Disease 2020. Collection method: clinical testing. Allele origin: germline. Affected: yes.
Comment: PS3_Moderate,PS4_Supporting,PM1_Supporting,PM2,PM3,PM5_Supporting,PP3

Labcorp Genetics (formerly Invitae), Labcorp
Classification: Pathogenic. Last evaluated: 2026-01-24. Review status: criteria provided, single submitter. Criteria: Invitae Variant Classification Sherloc (09022015). Collection method: clinical testing. Allele origin: germline.
Comment: This sequence change replaces valine, which is neutral and non-polar, with leucine, which is neutral and non-polar, at codon 459 of the ALPL protein (p.Val459Leu). This variant is not present in population databases (gnomAD no frequency). This missense change has been observed in individual(s) with autosomal dominant hypophosphatasia and/or hypophosphatasia (PMID: 19500388; internal data). ClinVar contains an entry for this variant (Variation ID: 558598). Invitae Evidence Modeling of protein sequence and biophysical properties (such as structural, functional, and spatial information, amino acid conservation, physicochemical variation, residue mobility, and thermodynamic stability) indicates that this missense variant is expected to disrupt ALPL protein function with a positive predictive value of 95%. Experimental studies have shown that this missense change affects ALPL function (PMID: 19500388). This variant disrupts the p.Val459 amino acid residue in ALPL. Other variant(s) that disrupt this residue have been determined to be pathogenic (PMID: 11438998, 27699270, 31707452). This suggests that this residue is clinically significant, and that variants that disrupt this residue are likely to be disease-causing. For these reasons, this variant has been classified as Pathogenic.

Myriad Genetics, Inc.
Classification: Likely pathogenic for Hypophosphatasia. Last evaluated: 2026-01-14. Review status: criteria provided, single submitter. Criteria: Myriad Autosomal Dominant, Autosomal Recessive and X-Linked Classification Criteria (2023). Collection method: clinical testing. Allele origin: unknown.
Comment: NM_000478.4(ALPL):c.1375G>T(V459L) is a missense variant classified as likely pathogenic in the context of hypophosphatasia. V459L has been observed in cases with relevant disease (PMID: 32973344, 19500388). Relevant functional assessments of this variant are available in the literature (PMID: 19500388). Internal structural analysis of the variant is supportive of pathogenicity. V459L has not been observed in referenced population frequency databases. In summary, NM_000478.4(ALPL):c.1375G>T(V459L) is a missense variant that has both functional and internal structural support for pathogenicity and has been observed more frequently in cases with the relevant disease than in healthy populations. Please note: this variant was assessed in the context of healthy population screening.

Genomenon, Inc
Classification: Pathogenic for Hypophosphatasia. Last evaluated: 2025-08-29. Review status: criteria provided, single submitter. Criteria: Genomenon Sequence Variant Interpretation Standards. Collection method: curation. Allele origin: germline. Affected: yes.
Comment: ALPL c.1375G>T is a missense variant that changes the amino acid at residue 459 from Valine to Leucine. This variant has been observed in at least one proband affected with hypophosphatasia (PMID:19500388;32160374). At least one functional study has demonstrated a substantial alteration in protein function relative to the wild-type (PMID:19500388). It is absent or not present at a significant frequency in gnomAD. In silico models agree that this variant is possibly or probably damaging. In conclusion, we classify ALPL p.Val459Leu (c.1375G>T) as a pathogenic variant.

Natera, Inc.
Classification: Likely pathogenic for Hypophosphatasia. Last evaluated: 2025-06-30. Review status: criteria provided, single submitter. Criteria: Natera Variant Classification Schema (03/2026). Collection method: clinical testing. Allele origin: germline.
Comment: The c.1375G>T variant in ALPL is a missense variant predicted to cause substitution of valine to leucine at amino acid 459. This variant is rare in the general population with a frequency below the threshold expected for the associated phenotype(s). This variant has been observed in one or more individuals affected with the associated recessive disease, as either homozygous or compound heterozygous with a second variant (PMID: 32160374). Functional studies show that this variant may disrupt protein function (PMID: 19500388). A different variant at the same position has been determined to be Pathogenic or Likely Pathogenic. Computational prediction algorithms indicate this variant is likely to affect gene or protein function. Given the available evidence, this variant is classified as Likely Pathogenic.

Women's Health and Genetics/Laboratory Corporation of America, LabCorp
Classification: Pathogenic for Hypophosphatasia. Last evaluated: 2025-04-24. Review status: criteria provided, single submitter. Criteria: LabCorp Variant Classification Summary - May 2015. Collection method: clinical testing. Allele origin: germline.
Comment: Variant summary: ALPL c.1375G>T (p.Val459Leu) results in a conservative amino acid change in the encoded protein sequence. Four of five in-silico tools predict a damaging effect of the variant on protein function. The variant was absent in 244600 control chromosomes. c.1375G>T has been observed in at-least one heterozygous individual with odontohypophosphatasia and at-least one compound heterozygous individual with perinatal lethal Hypophosphatasia who carried a pathogenic variant in trans (example: Fauvert_2009, Del Angel_2020). These data indicate that the variant is associated with disease. A different variant affecting the same codon has been classified as pathogenic by our lab (c.1375G>A, p.Val459Met), supporting the critical relevance of codon 459 to ALPL protein function. At least one publication reports experimental evidence evaluating an impact on protein function. Specifically, measurement of in vitro alkaline phosphatase activity in COS-7 cells transfected with mutated cDNA with the variant of interest demonstrated a 0% (% wild type) residual alkaline phosphatase activity level (example: Fauvert_2009). The following publications have been ascertained in the context of this evaluation (PMID: 32160374, 19500388, 32973344). ClinVar contains an entry for this variant (Variation ID: 558598). Based on the evidence outlined above, the variant was classified as as pathogenic for AD and AR Hypophosphatasia.

Blueprint Genetics
Classification: Likely pathogenic for ALPL-related disorders. Last evaluated: 2024-08-28. Review status: criteria provided, single submitter. Criteria: ACMG Guidelines, 2015. Collection method: clinical testing. Allele origin: germline. Affected: yes. Observed: 3 variant alleles.

Counsyl
Classification: Uncertain significance for Infantile hypophosphatasia. Last evaluated: 2018-05-31. Review status: no assertion criteria provided. Collection method: clinical testing. Allele origin: unknown. Not counted in ClinVar's aggregate classification.

Literature cited by the submitters: PubMed 19500388 (cited by 6 submitters); PubMed 11438998 (cited by Labcorp Genetics (formerly Invitae), Labcorp); PubMed 27699270 (cited by Labcorp Genetics (formerly Invitae), Labcorp); PubMed 31707452 (cited by Labcorp Genetics (formerly Invitae), Labcorp); PubMed 32973344 (cited by Myriad Genetics, Inc. and Women's Health and Genetics/Laboratory Corporation of America, LabCorp); PubMed 32160374 (cited by 3 submitters).